The following is an entry in ClinVar:

ClinVar aggregate classification (germline): Uncertain significance. Review status: criteria provided, multiple submitters, no conflicts (2 of 4 stars). 4 submissions from 4 submitters: Uncertain significance (4). Last evaluated 2024-07-18.

Conditions:
Autoimmune lymphoproliferative syndrome type 2B. Also called: AUTOIMMUNE LYMPHOPROLIFERATIVE SYNDROME, TYPE IIB. Identifiers: Orphanet 275517, MedGen C1846545, MONDO:0011804, OMIM 607271.
Inborn genetic diseases. Identifiers: MedGen C0950123, MeSH D030342.

Allele frequency attached by ClinVar (database versions not stated): gnomAD exomes below 0.00001; TOPMed below 0.00001; gnomAD 0.00001.
gnomAD v4.1: 9 of 1,612,006 alleles (0.00056%); highest among the groups gnomAD compares: Non-Finnish European, 0.00068%; no homozygotes.

Submissions (4):

Blueprint Genetics
Classification: Uncertain significance. Last evaluated: 2024-07-18. Review status: criteria provided, single submitter. Criteria: ACMG Guidelines, 2015. Collection method: clinical testing. Allele origin: germline.

Mayo Clinic Laboratories, Mayo Clinic
Classification: Uncertain significance. Last evaluated: 2024-01-02. Review status: criteria provided, single submitter. Criteria: ACMG Guidelines, 2015. Collection method: clinical testing. Allele origin: germline. Observed: 1 variant allele.

Ambry Genetics
Classification: Uncertain significance for Inborn genetic diseases. Last evaluated: 2023-09-13. Review status: criteria provided, single submitter. Criteria: Ambry Variant Classification Scheme 2023. Collection method: clinical testing. Allele origin: germline.

Labcorp Genetics (formerly Invitae), Labcorp
Classification: Uncertain significance for Autoimmune lymphoproliferative syndrome type 2B. Last evaluated: 2021-11-10. Review status: criteria provided, single submitter. Criteria: Invitae Variant Classification Sherloc (09022015). Collection method: clinical testing. Allele origin: germline.
Comment: This sequence change replaces glycine, which is neutral and non-polar, with aspartic acid, which is acidic and polar, at codon 453 of the CASP8 protein (p.Gly453Asp). This variant is present in population databases (no rsID available, gnomAD 0.002%). This variant has not been reported in the literature in individuals affected with CASP8-related conditions. Algorithms developed to predict the effect of missense changes on protein structure and function (SIFT, PolyPhen-2, Align-GVGD) all suggest that this variant is likely to be tolerated. In summary, the available evidence is currently insufficient to determine the role of this variant in disease. Therefore, it has been classified as a Variant of Uncertain Significance.

NM_001372051.1(CASP8):c.1307G>A (p.Gly436Asp)

Gene: CASP8 (caspase 8; plus strand). Cytogenetic location: 2q33.1.
Variant type: single nucleotide variant.
Coding change: c.1307G>A on transcript NM_001372051.1 (MANE Select); coding-DNA position 1307, G replaced by A.
Protein change: p.Gly436Asp; replaces glycine 436 with aspartic acid.
Molecular consequence: missense variant. On other transcripts: non-coding transcript variant (22).
Genome position (GRCh38, 1-based): chr2:201,286,461, G>A. VCF-style: chr2-201286461-G-A. GRCh37 (hg19) VCF-style: chr2-202151184-G-A.
Other names: p.Gly453Asp; c.1262G>A, p.Gly421Asp (NM_001080124.2, NM_001400658.1, NM_001400659.1 and 5 more transcripts); c.1484G>A, p.Gly495Asp (NM_001080125.2); c.1358G>A, p.Gly453Asp (NM_001228.5); c.1439G>A, p.Gly480Asp (NM_001400642.1); c.1340G>A, p.Gly447Asp (NM_001400645.1); c.1307G>A, p.Gly436Asp (NM_001400648.1, NM_001400651.1, NM_001400653.1 and 5 more transcripts); c.1238G>A, p.Gly413Asp (NM_001400664.1); and 8 more; short protein forms G421D, G436D, G453D, G495D, G222D, G231D, G237D, G287D.
Identifiers: ClinVar variation 1371312 (VCV001371312.7), dbSNP rs1235505270, ClinGen allele CA350303334.